The following is an entry in ClinVar:

ClinVar aggregate classification (germline): Uncertain significance. Review status: criteria provided, multiple submitters, no conflicts (2 of 4 stars). 2 submissions from 2 submitters: Uncertain significance (2). Last evaluated 2024-04-25.

Conditions:
Atrioventricular septal defect 5 (AVSD5). Identifiers: MedGen C3280939, MONDO:0013769, OMIM 614474.
Heart defects, congenital, and other congenital anomalies. Also called: PANCREATIC HYPOPLASIA, CONGENITAL, WITH DIABETES MELLITUS AND CONGENITAL HEART DISEASE; Pancreatic hypoplasia-diabetes-congenital heart disease syndrome. Identifiers: Orphanet 2255, MedGen C2931296, MONDO:0010802, OMIM 600001.
Tetralogy of Fallot (TOF). Identifiers: Orphanet 3303, MedGen C0039685, MONDO:0008542, OMIM 187500, HP:0001636.
Conotruncal heart malformations (CTHM). Also called: Conotruncal heart malformations, variable. Identifiers: Orphanet 2445, Orphanet 3384, Orphanet 3426, MedGen C1857586, MONDO:0016581, OMIM 217095.
Atrial septal defect 9 (ASD9). Identifiers: Orphanet 1478, MedGen C3280943, MONDO:0013770, OMIM 614475.

Submissions (2):

Labcorp Genetics (formerly Invitae), Labcorp
Classification: Uncertain significance for Atrioventricular septal defect 5. Last evaluated: 2024-04-25. Review status: criteria provided, single submitter. Criteria: Invitae Variant Classification Sherloc (09022015). Collection method: clinical testing. Allele origin: germline.
Comment: This sequence change replaces proline, which is neutral and non-polar, with alanine, which is neutral and non-polar, at codon 369 of the GATA6 protein (p.Pro369Ala). This variant is not present in population databases (gnomAD no frequency). This variant has not been reported in the literature in individuals affected with GATA6-related conditions. Advanced modeling of protein sequence and biophysical properties (such as structural, functional, and spatial information, amino acid conservation, physicochemical variation, residue mobility, and thermodynamic stability) performed at Invitae indicates that this missense variant is not expected to disrupt GATA6 protein function with a negative predictive value of 80%. In summary, the available evidence is currently insufficient to determine the role of this variant in disease. Therefore, it has been classified as a Variant of Uncertain Significance.

Department of Pathology and Laboratory Medicine, Sinai Health System
Classification: Uncertain significance for Tetralogy of Fallot; Conotruncal heart malformations; Heart defects, congenital, and other congenital anomalies; Atrioventricular septal defect 5; Atrial septal defect 9. Last evaluated: 2022-12-21. Review status: criteria provided, single submitter. Criteria: ACMG Guidelines, 2015. Collection method: research. Allele origin: germline.

NM_005257.6(GATA6):c.1105C>G (p.Pro369Ala)

Gene: GATA6 (GATA binding protein 6; plus strand). Cytogenetic location: 18q11.2.
Variant type: single nucleotide variant.
Coding change: c.1105C>G on transcript NM_005257.6 (MANE Select); coding-DNA position 1105, C replaced by G.
Protein change: p.Pro369Ala; replaces proline 369 with alanine.
Molecular consequence: missense variant.
Genome position (GRCh38, 1-based): chr18:22,172,249, C>G. VCF-style: chr18-22172249-C-G. GRCh37 (hg19) VCF-style: chr18-19752210-C-G.
Other names: short protein forms P369A.
Identifiers: ClinVar variation 3708782 (VCV003708782.3).